The following is an entry in ClinVar:

NM_000535.7(PMS2):c.1492A>C (p.Ser498Arg)

Gene: PMS2 (PMS1 homolog 2, mismatch repair system component; minus strand). Cytogenetic location: 7p22.1.
Variant type: single nucleotide variant.
Coding change: c.1492A>C on transcript NM_000535.7 (MANE Select); coding-DNA position 1492, A replaced by C.
Protein change: p.Ser498Arg; replaces serine 498 with arginine.
Molecular consequence: missense variant. On other transcripts: non-coding transcript variant (1).
Genome position (GRCh38, 1-based): chr7:5,987,273, T>G on the plus strand (A>C on the coding strand, the complement: PMS2 is on the minus strand). VCF-style: chr7-5987273-T-G. GRCh37 (hg19) VCF-style: chr7-6026904-T-G.
Other names: c.1087A>C, p.Ser363Arg (NM_001018040.1, NM_001322003.2, NM_001322004.2 and 17 more transcripts); c.1336A>C, p.Ser446Arg (NM_001322006.2, NM_001406870.1); c.1174A>C, p.Ser392Arg (NM_001322007.2, NM_001322008.2, NM_001406876.1 and 2 more transcripts); c.931A>C, p.Ser311Arg (NM_001322010.2, NM_001406906.1, NM_001406907.1); c.559A>C, p.Ser187Arg (NM_001322011.2, NM_001322012.2); c.919A>C, p.Ser307Arg (NM_001322013.2, NM_001406909.1); c.1492A>C, p.Ser498Arg (NM_001322014.2, NM_001406871.1, NM_001406872.1); c.1183A>C, p.Ser395Arg (NM_001322015.2, NM_001406875.1, NM_001406877.1 and 5 more transcripts); and 12 more; short protein forms S187R, S327R, S363R, S395R, S442R, S506R, S241R, S311R.
Identifiers: ClinVar variation 1773803 (VCV001773803.2), dbSNP rs2128729459, ClinGen allele CA366741793.

ClinVar aggregate classification (germline): Uncertain significance (1 of 4 stars; one submission).

Conditions:
Hereditary cancer-predisposing syndrome. Also called: Hereditary Cancer Syndrome; Hereditary neoplastic syndrome; Neoplastic Syndromes, Hereditary; Tumor predisposition. Identifiers: Orphanet 140162, MedGen C0027672, MeSH D009386, MONDO:0015356.

Submission:

Ambry Genetics
Classification: Uncertain significance for Hereditary cancer-predisposing syndrome. Last evaluated: 2022-06-21. Review status: criteria provided, single submitter. Criteria: Ambry Variant Classification Scheme 2023. Collection method: clinical testing. Allele origin: germline.
Comment: The p.S498R variant (also known as c.1492A>C), located in coding exon 11 of the PMS2 gene, results from an A to C substitution at nucleotide position 1492. The serine at codon 498 is replaced by arginine, an amino acid with dissimilar properties. This amino acid position is well conserved in available vertebrate species. In addition, this alteration is predicted to be tolerated by in silico analysis. Since supporting evidence is limited at this time, the clinical significance of this alteration remains unclear.